The following is an entry in ClinVar:

ClinVar aggregate classification (germline): Benign/Likely benign. Review status: criteria provided, multiple submitters, no conflicts (2 of 4 stars). 5 submissions from 5 submitters: Benign (1); Likely benign (4). Last evaluated 2025-11-25.

Conditions:
Inborn genetic diseases. Identifiers: MedGen C0950123, MeSH D030342.
Erythrocytosis, familial, 4 (ECYT4). Identifiers: Orphanet 247511, MedGen C2673187, MONDO:0012729, OMIM 611783.

Allele frequency attached by ClinVar (database versions not stated): TOPMed 0.00128; gnomAD 0.00137; ESP Exome Variant Server 0.00161; 1000 Genomes Project 0.00200; 1000 Genomes Project 30x 0.00219.
gnomAD v4.1: 449 of 1,613,998 alleles (0.028%); highest among the groups gnomAD compares: African/African-American, 0.5%; 2 homozygotes.

Submissions (5):

Labcorp Genetics (formerly Invitae), Labcorp
Classification: Benign. Last evaluated: 2025-11-25. Review status: criteria provided, single submitter. Criteria: Invitae Variant Classification Sherloc (09022015). Collection method: clinical testing. Allele origin: germline.

Blueprint Genetics
Classification: Likely benign. Last evaluated: 2024-11-06. Review status: criteria provided, single submitter. Criteria: ACMG Guidelines, 2015. Collection method: clinical testing. Allele origin: germline.

Ambry Genetics
Classification: Likely benign for Inborn genetic diseases. Last evaluated: 2022-02-12. Review status: criteria provided, single submitter. Criteria: Ambry Variant Classification Scheme 2023. Collection method: clinical testing. Allele origin: germline.

Illumina Laboratory Services, Illumina
Classification: Likely benign for Erythrocytosis, familial, 4. Last evaluated: 2017-04-28. Review status: criteria provided, single submitter. Criteria: ICSL Variant Classification Criteria 13 December 2019. Collection method: clinical testing. Allele origin: germline.
Comment: This variant was observed as part of a predisposition screen in an ostensibly healthy population. A literature search was performed for the gene, cDNA change, and amino acid change (where applicable). No publications were found based on this search. Allele frequency data from public databases allowed determination this variant is unlikely to cause disease. Therefore, this variant is classified as likely benign.

Breakthrough Genomics
Classification: Likely benign. Review status: criteria provided, single submitter. Criteria: ACMG Guidelines, 2015. Collection method: not provided. Allele origin: germline. Inheritance: Autosomal dominant inheritance. Affected: yes.

NM_001430.5(EPAS1):c.525G>A (p.Thr175=)

Genes: EPAS1 (endothelial PAS domain protein 1; plus strand), LOC126806210 (BRD4-independent group 4 enhancer GRCh37_chr2:46587586-46588785; plus strand). Cytogenetic location: 2p21.
Variant type: single nucleotide variant.
Coding change: c.525G>A on transcript NM_001430.5 (MANE Select); coding-DNA position 525, G replaced by A.
Protein change: p.Thr175=; no amino-acid change (threonine 175 retained).
Molecular consequence: synonymous variant.
Genome position (GRCh38, 1-based): chr2:46,360,708, G>A. VCF-style: chr2-46360708-G-A. GRCh37 (hg19) VCF-style: chr2-46587847-G-A.
Identifiers: ClinVar variation 336247 (VCV000336247.12), dbSNP rs115264325, ClinGen allele CA1644671.